The following is an entry in ClinVar:

NM_001365902.3(NFIX):c.665G>A (p.Trp222Ter)

Gene: NFIX (nuclear factor I X; plus strand). Cytogenetic location: 19p13.13.
Variant type: single nucleotide variant.
Coding change: c.665G>A on transcript NM_001365902.3 (MANE Select); coding-DNA position 665, G replaced by A.
Protein change: p.Trp222Ter; replaces tryptophan 222 with a stop codon.
Molecular consequence: nonsense.
Genome position (GRCh38, 1-based): chr19:13,073,464, G>A. VCF-style: chr19-13073464-G-A. GRCh37 (hg19) VCF-style: chr19-13184278-G-A.
Other names: c.689G>A, p.Trp230Ter (NM_001271043.2); c.641G>A, p.Trp214Ter (NM_001271044.3, NM_001378404.1, NM_001440616.1 and 1 more transcripts); c.665G>A, p.Trp222Ter (NM_001365982.2, NM_002501.4); c.524G>A, p.Trp175Ter (NM_001365983.2); c.662G>A, p.Trp221Ter (NM_001365984.2, NM_001365985.2); c.713G>A, p.Trp238Ter (NM_001378405.1); short protein forms W175*, W214*, W221*, W222*, W230*, W238*.
Identifiers: ClinVar variation 4845587 (VCV004845587.1).

ClinVar aggregate classification (germline): Pathogenic (1 of 4 stars; one submission).

Conditions:
NFIX-related disorder. Also called: NFIX-related condition.

Submission:

Greenwood Genetic Center Diagnostic Laboratories, Greenwood Genetic Center
Classification: Pathogenic for NFIX-related disorder. Last evaluated: 2025-10-21. Review status: criteria provided, single submitter. Criteria: ACMG Guidelines, 2015. Collection method: clinical testing. Allele origin: germline. Affected: yes.
Comment: PVS1, PM2, PM6